The following is an entry in ClinVar:

NM_178040.4(ERC1):c.3214-9246C>T

Gene: ERC1 (ELKS/RAB6-interacting/CAST family member 1; plus strand). Cytogenetic location: 12p13.33.
Variant type: single nucleotide variant.
Coding change: c.3214-9246C>T on transcript NM_178040.4 (MANE Select); 9246 bases into the intron before coding-DNA position 3214, C replaced by T.
Molecular consequence: intron variant. On other transcripts: missense variant (1).
Genome position (GRCh38, 1-based): chr12:1,480,847, C>T. VCF-style: chr12-1480847-C-T. GRCh37 (hg19) VCF-style: chr12-1590013-C-T.
Other names: c.3218C>T, p.Pro1073Leu (NM_001301248.1); c.3130-9246C>T (NM_178039.4); short protein forms P1073L.
Identifiers: ClinVar variation 3060038 (VCV003060038.2), dbSNP rs11613546, ClinGen allele CA6385062.

ClinVar aggregate classification (germline): Benign (0 of 4 stars; one submission).

Conditions:
ERC1-related disorder. Also called: ERC1-related condition.

Allele frequency attached by ClinVar (database versions not stated): 1000 Genomes Project 0.28974; 1000 Genomes Project 30x 0.29403; gnomAD exomes 0.29718; ExAC 0.31066; TOPMed 0.31384; gnomAD 0.31618.
gnomAD v4.1: 211,487 of 701,480 alleles (30%); highest among the groups gnomAD compares: African/African-American, 38%; 33,186 homozygotes.

Submission:

PreventionGenetics, part of Exact Sciences
Classification: Benign for ERC1-related condition. Last evaluated: 2019-02-21. Review status: no assertion criteria provided. Collection method: clinical testing. Allele origin: germline.
Comment: This variant is classified as benign based on ACMG/AMP sequence variant interpretation guidelines (Richards et al. 2015 PMID: 25741868, with internal and published modifications).